The following is an entry in ClinVar:

ClinVar aggregate classification (germline): Uncertain significance (1 of 4 stars; one submission).

gnomAD v4.1: 1 of 1,614,144 alleles (0.000062%); highest among the groups gnomAD compares: Non-Finnish European, 0.000085%; no homozygotes.

Submission:

Ambry Genetics
Classification: Uncertain significance. Last evaluated: 2024-09-19. Review status: criteria provided, single submitter. Criteria: Ambry Variant Classification Scheme 2023. Collection method: clinical testing. Allele origin: germline.
Comment: The p.L312P variant (also known as c.935T>C), located in coding exon 4 of the MNDA gene, results from a T to C substitution at nucleotide position 935. The leucine at codon 312 is replaced by proline, an amino acid with similar properties. This amino acid position is conserved. In addition, the in silico prediction for this alteration is inconclusive. Based on the available evidence, the clinical significance of this variant remains unclear.

NM_002432.3(MNDA):c.935T>C (p.Leu312Pro)

Gene: MNDA (myeloid cell nuclear differentiation antigen; plus strand). Cytogenetic location: 1q23.1.
Variant type: single nucleotide variant.
Coding change: c.935T>C on transcript NM_002432.3 (MANE Select); coding-DNA position 935, T replaced by C.
Protein change: p.Leu312Pro; replaces leucine 312 with proline.
Molecular consequence: missense variant.
Genome position (GRCh38, 1-based): chr1:158,845,951, T>C. VCF-style: chr1-158845951-T-C. GRCh37 (hg19) VCF-style: chr1-158815741-T-C.
Other names: short protein forms L312P.
Identifiers: ClinVar variation 3397293 (VCV003397293.1).
Genomic context (GRCh38, chr1:158,845,951, plus strand): 5'-ATTTTGAGGTCCCAAACAGAATTATCGAAATAGCAAATAAAACTCCCAAGATCAGTCAAC[T>C]TTACAAGCAAGCATCTGGAACAATGGTGTATGGGTTGTTTATGTTACAAAAGGTAAACCC-3'
Protein context (NP_002423.1, residues 302-322): IANKTPKISQ[Leu312Pro]YKQASGTMVY